The following is an entry in ClinVar:

NM_001206927.2(DNAH8):c.3215G>A (p.Arg1072Gln)

Gene: DNAH8 (dynein axonemal heavy chain 8; plus strand). Cytogenetic location: 6p21.2.
Variant type: single nucleotide variant.
Coding change: c.3215G>A on transcript NM_001206927.2 (MANE Select); coding-DNA position 3215, G replaced by A.
Protein change: p.Arg1072Gln; replaces arginine 1072 with glutamine.
Molecular consequence: missense variant.
Genome position (GRCh38, 1-based): chr6:38,807,674, G>A. VCF-style: chr6-38807674-G-A. GRCh37 (hg19) VCF-style: chr6-38775450-G-A.
Other names: c.2564G>A, p.Arg855Gln (NM_001371.4); short protein forms R1072Q, R855Q.
Identifiers: ClinVar variation 525423 (VCV000525423.9), dbSNP rs201654193, ClinGen allele CA3788759.

ClinVar aggregate classification (germline): Uncertain significance. Review status: criteria provided, multiple submitters, no conflicts (2 of 4 stars). 3 submissions from 3 submitters: Uncertain significance (3). Last evaluated 2025-01-06.

Conditions:
Primary ciliary dyskinesia. Also called: Ciliary dyskinesia. Identifiers: Orphanet 244, MedGen C0008780, MONDO:0016575, HP:0012265.

Allele frequency attached by ClinVar (database versions not stated): ESP Exome Variant Server 0.00023; TOPMed 0.00024; 1000 Genomes Project 0.00040; 1000 Genomes Project 30x 0.00062.
gnomAD v4.1: 373 of 1,564,054 alleles (0.024%); highest among the groups gnomAD compares: Middle Eastern, 0.41%; 3 homozygotes.

Submissions (3):

Labcorp Genetics (formerly Invitae), Labcorp
Classification: Uncertain significance for Primary ciliary dyskinesia. Last evaluated: 2025-01-06. Review status: criteria provided, single submitter. Criteria: Invitae Variant Classification Sherloc (09022015). Collection method: clinical testing. Allele origin: germline.
Comment: This sequence change replaces arginine, which is basic and polar, with glutamine, which is neutral and polar, at codon 1072 of the DNAH8 protein (p.Arg1072Gln). This variant is present in population databases (rs201654193, gnomAD 0.06%). This missense change has been observed in individual(s) with clinical features of primary ciliary dyskinesia (PMID: 31213628). ClinVar contains an entry for this variant (Variation ID: 525423). Experimental studies and prediction algorithms are not available or were not evaluated, and the functional significance of this variant is currently unknown. In summary, the available evidence is currently insufficient to determine the role of this variant in disease. Therefore, it has been classified as a Variant of Uncertain Significance.

Blueprint Genetics
Classification: Uncertain significance. Last evaluated: 2024-11-20. Review status: criteria provided, single submitter. Criteria: ACMG Guidelines, 2015. Collection method: clinical testing. Allele origin: germline.

Breakthrough Genomics
Classification: Uncertain significance. Review status: criteria provided, single submitter. Criteria: ACMG Guidelines, 2015. Collection method: not provided. Allele origin: germline. Inheritance: Autosomal recessive inheritance. Affected: yes.

Literature cited by the submitters: PubMed 31213628 (cited by Labcorp Genetics (formerly Invitae), Labcorp).